The following is an entry in ClinVar:

ClinVar aggregate classification (germline): Uncertain significance (1 of 4 stars; one submission).

Allele frequency attached by ClinVar (database versions not stated): gnomAD exomes below 0.00001; TOPMed below 0.00001.
gnomAD v4.1: 2 of 1,614,128 alleles (0.00012%); highest among the groups gnomAD compares: Non-Finnish European, 0.00017%; no homozygotes.

Submission:

Ambry Genetics
Classification: Uncertain significance. Last evaluated: 2023-11-20. Review status: criteria provided, single submitter. Criteria: Ambry Variant Classification Scheme 2023. Collection method: clinical testing. Allele origin: germline.
Comment: The p.D832N variant (also known as c.2494G>A), located in coding exon 23 of the KIF1B gene, results from a G to A substitution at nucleotide position 2494. The aspartic acid at codon 832 is replaced by asparagine, an amino acid with highly similar properties. This amino acid position is highly conserved in available vertebrate species. In addition, the in silico prediction for this alteration is inconclusive. The evidence for this gene-disease relationship is limited; therefore, the clinical significance of this alteration is unclear.

NM_001365951.3(KIF1B):c.2632G>A (p.Asp878Asn)

Gene: KIF1B (kinesin family member 1B; plus strand). Cytogenetic location: 1p36.22.
Variant type: single nucleotide variant.
Coding change: c.2632G>A on transcript NM_001365951.3 (MANE Select); coding-DNA position 2632, G replaced by A.
Protein change: p.Asp878Asn; replaces aspartic acid 878 with asparagine.
Molecular consequence: missense variant.
Genome position (GRCh38, 1-based): chr1:10,324,852, G>A. VCF-style: chr1-10324852-G-A. GRCh37 (hg19) VCF-style: chr1-10384910-G-A.
Other names: c.2632G>A, p.Asp878Asn (NM_001365952.1); c.2494G>A, p.Asp832Asn (NM_015074.3); short protein forms D832N, D878N.
Identifiers: ClinVar variation 3226403 (VCV003226403.1), dbSNP rs1651668661, ClinGen allele CA338335755.